The following is an entry in ClinVar:

NM_006389.5(HYOU1):c.419+1G>A

Gene: HYOU1 (hypoxia up-regulated 1; minus strand). Cytogenetic location: 11q23.3.
Variant type: single nucleotide variant.
Coding change: c.419+1G>A on transcript NM_006389.5 (MANE Select); the canonical splice donor site of the intron after coding-DNA position 419, G replaced by A.
Molecular consequence: splice donor variant.
Genome position (GRCh38, 1-based): chr11:119,055,184, C>T on the plus strand (G>A on the coding strand, the complement: HYOU1 is on the minus strand). VCF-style: chr11-119055184-C-T. GRCh37 (hg19) VCF-style: chr11-118925896-C-T.
Other names: c.419+1G>A (NM_001130991.3, NM_001411041.1).
Identifiers: ClinVar variation 2011108 (VCV002011108.4), dbSNP rs782787227, ClinGen allele CA229648847.
Genomic context (GRCh38, chr11:119,055,184, plus strand): 5'-CACACACCAATGAGGAGCCCAGCAGCGTTGCCGAGACCACCTTCCCCAACAGAGCACTCA[C>T]GAGCTGATCTGAAAGTGCACAGTCTGCCTCTGTGGGTCGAAAGTCAGCTCGTGCTCCGGG-3'

ClinVar aggregate classification (germline): Uncertain significance (1 of 4 stars; one submission).

Allele frequency attached by ClinVar (database versions not stated): gnomAD exomes below 0.00001.
gnomAD v4.1: 2 of 1,612,850 alleles (0.00012%); highest among the groups gnomAD compares: African/African-American, 0.0013%; no homozygotes.

Submission:

Labcorp Genetics (formerly Invitae), Labcorp
Classification: Uncertain significance. Last evaluated: 2022-06-26. Review status: criteria provided, single submitter. Criteria: Invitae Variant Classification Sherloc (09022015). Collection method: clinical testing. Allele origin: germline.
Comment: In summary, the available evidence is currently insufficient to determine the role of this variant in disease. Therefore, it has been classified as a Variant of Uncertain Significance. This variant has not been reported in the literature in individuals affected with HYOU1-related conditions. This variant is present in population databases (rs782787227, gnomAD 0.007%). This sequence change affects a donor splice site in intron 5 of the HYOU1 gene. It is expected to disrupt RNA splicing. Variants that disrupt the donor or acceptor splice site typically lead to a loss of protein function (PMID: 16199547), however the current clinical and genetic evidence is not sufficient to establish whether loss-of-function variants in HYOU1 cause disease.

Literature cited by the submitters: PubMed 16199547.